The following is an entry in ClinVar:

ClinVar aggregate classification (germline): Likely benign. Review status: criteria provided, single submitter (1 of 4 stars). 2 submissions from 2 submitters: Likely benign (1). 1 of the submissions does not count toward it. Last evaluated 2025-06-11.

Conditions:
XYLT2-related disorder. Also called: XYLT2-related condition.

gnomAD v4.1: 291 of 1,611,592 alleles (0.018%); highest among the groups gnomAD compares: Middle Eastern, 0.033%; no homozygotes.

Submissions (2):

Labcorp Genetics (formerly Invitae), Labcorp
Classification: Likely benign. Last evaluated: 2025-06-11. Review status: criteria provided, single submitter. Criteria: Invitae Variant Classification Sherloc (09022015). Collection method: clinical testing. Allele origin: germline.

PreventionGenetics, part of Exact Sciences
Classification: Likely benign for XYLT2-related condition. Last evaluated: 2019-06-10. Review status: no assertion criteria provided. Collection method: clinical testing. Allele origin: germline. Not counted in ClinVar's aggregate classification.
Comment: This variant is classified as likely benign based on ACMG/AMP sequence variant interpretation guidelines (Richards et al. 2015 PMID: 25741868, with internal and published modifications).

NM_022167.4(XYLT2):c.1773C>T (p.Ser591=)

Gene: XYLT2 (xylosyltransferase 2; plus strand). Cytogenetic location: 17q21.33.
Variant type: single nucleotide variant.
Coding change: c.1773C>T on transcript NM_022167.4 (MANE Select); coding-DNA position 1773, C replaced by T.
Protein change: p.Ser591=; no amino-acid change (serine 591 retained).
Molecular consequence: synonymous variant.
Genome position (GRCh38, 1-based): chr17:50,357,084, C>T. VCF-style: chr17-50357084-C-T. GRCh37 (hg19) VCF-style: chr17-48434445-C-T.
Other names: c.1773C>T (NM_022167.3).
Identifiers: ClinVar variation 1939299 (VCV001939299.7), dbSNP rs769862588, ClinGen allele CA8646566.
Genomic context (GRCh38, chr17:50,357,084, plus strand): 5'-TGGCATCTCCCTTTCTCCCTGCTGGCACCTTAGGTTTGAGCCCAGGGGCTTGCCGTCCAG[C>T]GTGCACCTGTATTTCTATGACGACCATTTCCAGGGCTACCTGGTGACGCAGGCGGTGCAG-3'
Protein context (NP_071450.2, residues 581-601): CRFEPRGLPS[Ser591=]VHLYFYDDHF